The following is an entry in ClinVar:

ClinVar aggregate classification (germline): Benign/Likely benign. Review status: criteria provided, multiple submitters, no conflicts (2 of 4 stars). 5 submissions from 5 submitters: Benign (1); Likely benign (4). Last evaluated 2026-03-01.

Conditions:
MET-related disorder. Also called: MET-related condition.
Hereditary cancer-predisposing syndrome. Also called: Hereditary Cancer Syndrome; Tumor predisposition; Hereditary neoplastic syndrome; Neoplastic Syndromes, Hereditary. Identifiers: Orphanet 140162, MedGen C0027672, MeSH D009386, MONDO:0015356.
Papillary renal cell carcinoma type 1 (RCCP1). Also called: Renal adenocarcinoma; Renal cell carcinoma 1; Renal cell carcinoma, somatic; RENAL CELL CARCINOMA, PAPILLARY, 1, SOMATIC. Identifiers: Orphanet 47044, MedGen C1336839, OMIM 605074, HP:0011797.
Renal cell carcinoma. Identifiers: Orphanet 217071, MedGen C0007134, MeSH D002292, MONDO:0005086, HP:0005584.

Allele frequency attached by ClinVar (database versions not stated): ExAC 0.00006; gnomAD exomes 0.00006; 1000 Genomes Project 30x 0.00016; 1000 Genomes Project 0.00020.
gnomAD v4.1: 44 of 1,613,924 alleles (0.0027%); highest among the groups gnomAD compares: Middle Eastern, 0.033%; no homozygotes.

Submissions (5):

CeGaT Center for Human Genetics Tuebingen
Classification: Likely benign. Last evaluated: 2026-03-01. Review status: criteria provided, single submitter. Criteria: CeGaT Center For Human Genetics Tuebingen Variant Classification Criteria Version 2. Collection method: clinical testing. Allele origin: germline. Affected: yes. Observed: 1 variant allele.
Comment: MET: BP4, BP7

Labcorp Genetics (formerly Invitae), Labcorp
Classification: Likely benign for Renal cell carcinoma. Last evaluated: 2025-12-14. Review status: criteria provided, single submitter. Criteria: Invitae Variant Classification Sherloc (09022015). Collection method: clinical testing. Allele origin: germline.

Myriad Genetics, Inc.
Classification: Benign for Papillary renal cell carcinoma type 1. Last evaluated: 2024-11-06. Review status: criteria provided, single submitter. Criteria: Myriad Autosomal Dominant, Autosomal Recessive and X-Linked Classification Criteria (2023). Collection method: clinical testing. Allele origin: unknown.
Comment: This variant is considered benign. This variant is a silent/synonymous amino acid change and it is not expected to impact splicing.

PreventionGenetics, part of Exact Sciences
Classification: Likely benign for MET-related condition. Last evaluated: 2024-10-20. Review status: criteria provided, single submitter. Criteria: ACMG Guidelines, 2015. Collection method: clinical testing. Allele origin: germline.
Comment: This variant is classified as likely benign based on ACMG/AMP sequence variant interpretation guidelines (Richards et al. 2015 PMID: 25741868, with internal and published modifications).

Ambry Genetics
Classification: Likely benign for Hereditary cancer-predisposing syndrome. Last evaluated: 2019-09-19. Review status: criteria provided, single submitter. Criteria: Ambry Variant Classification Scheme 2023. Collection method: clinical testing. Allele origin: germline.

NM_000245.4(MET):c.900C>T (p.Leu300=)

Gene: MET (MET proto-oncogene, receptor tyrosine kinase; plus strand). Cytogenetic location: 7q31.2.
Variant type: single nucleotide variant.
Coding change: c.900C>T on transcript NM_000245.4 (MANE Select); coding-DNA position 900, C replaced by T.
Protein change: p.Leu300=; no amino-acid change (leucine 300 retained).
Molecular consequence: synonymous variant. On other transcripts: intron variant (1).
Genome position (GRCh38, 1-based): chr7:116,699,984, C>T. VCF-style: chr7-116699984-C-T. GRCh37 (hg19) VCF-style: chr7-116340038-C-T.
Other names: c.900C>T, p.Leu300= (NM_001127500.3, NM_001324401.3); c.-91+27407C>T (NM_001324402.2); c.900C>T (NM_001127500.2).
Identifiers: ClinVar variation 766866 (VCV000766866.19), dbSNP rs540354779, ClinGen allele CA4448042.